The following is an entry in ClinVar:

NM_006267.5(RANBP2):c.7911A>T (p.Glu2637Asp)

Gene: RANBP2 (RAN binding protein 2; plus strand). Cytogenetic location: 2q13.
Variant type: single nucleotide variant.
Coding change: c.7911A>T on transcript NM_006267.5 (MANE Select); coding-DNA position 7911, A replaced by T.
Protein change: p.Glu2637Asp; replaces glutamic acid 2637 with aspartic acid.
Molecular consequence: missense variant.
Genome position (GRCh38, 1-based): chr2:108,771,762, A>T. VCF-style: chr2-108771762-A-T. GRCh37 (hg19) VCF-style: chr2-109388218-A-T.
Other names: p.Glu2637Asp; short protein forms E2637D.
Identifiers: ClinVar variation 537216 (VCV000537216.10), dbSNP rs368160432, ClinGen allele CA53459463.

ClinVar aggregate classification (germline): Uncertain significance. Review status: criteria provided, multiple submitters, no conflicts (2 of 4 stars). 2 submissions from 2 submitters: Uncertain significance (2). Last evaluated 2024-04-11.

Conditions:
Familial acute necrotizing encephalopathy (IIAE3). Also called: Susceptibility to Acute Necrotizing Encephalopathy 1; ENCEPHALOPATHY, ACUTE, INFECTION-INDUCED, SUSCEPTIBILITY TO, 3. Identifiers: Orphanet 88619, MedGen C2675556, MONDO:0011953, OMIM 608033.

Allele frequency attached by ClinVar (database versions not stated): TOPMed below 0.00001.
gnomAD v4.1: 16 of 1,614,024 alleles (0.00099%); highest among the groups gnomAD compares: Non-Finnish European, 0.0014%; no homozygotes.

Submissions (2):

Labcorp Genetics (formerly Invitae), Labcorp
Classification: Uncertain significance for Familial acute necrotizing encephalopathy. Last evaluated: 2024-04-11. Review status: criteria provided, single submitter. Criteria: Invitae Variant Classification Sherloc (09022015). Collection method: clinical testing. Allele origin: germline.
Comment: This sequence change replaces glutamic acid, which is acidic and polar, with aspartic acid, which is acidic and polar, at codon 2637 of the RANBP2 protein (p.Glu2637Asp). This variant is not present in population databases (gnomAD no frequency). This variant has not been reported in the literature in individuals affected with RANBP2-related conditions. ClinVar contains an entry for this variant (Variation ID: 537216). An algorithm developed to predict the effect of missense changes on protein structure and function (PolyPhen-2) suggests that this variant is likely to be disruptive. In summary, the available evidence is currently insufficient to determine the role of this variant in disease. Therefore, it has been classified as a Variant of Uncertain Significance.

Mayo Clinic Laboratories, Mayo Clinic
Classification: Uncertain significance. Last evaluated: 2023-07-07. Review status: criteria provided, single submitter. Criteria: ACMG Guidelines, 2015. Collection method: clinical testing. Allele origin: germline. Observed: 1 variant allele.
Comment: BP4, PM2_moderate